The following is an entry in ClinVar:

ClinVar aggregate classification (germline): Uncertain significance (1 of 4 stars; one submission).

Conditions:
Bethlem myopathy 1A. Also called: MYOPATHY, BENIGN CONGENITAL, WITH CONTRACTURES; Bethlem Muscular Dystrophy; Bethlem myopathy 1. Identifiers: Orphanet 610, MedGen CN029274, MONDO:0024530, OMIM 158810.

Submission:

Labcorp Genetics (formerly Invitae), Labcorp
Classification: Uncertain significance for Bethlem myopathy 1A. Last evaluated: 2021-06-04. Review status: criteria provided, single submitter. Criteria: Invitae Variant Classification Sherloc (09022015). Collection method: clinical testing. Allele origin: germline.
Comment: This sequence change replaces serine with phenylalanine at codon 167 of the COL6A3 protein (p.Ser167Phe). The serine residue is weakly conserved and there is a large physicochemical difference between serine and phenylalanine. This variant is not present in population databases (ExAC no frequency). This variant has not been reported in the literature in individuals with COL6A3-related conditions. Advanced modeling of protein sequence and biophysical properties (such as structural, functional, and spatial information, amino acid conservation, physicochemical variation, residue mobility, and thermodynamic stability) performed at Invitae indicates that this missense variant is not expected to disrupt COL6A3 protein function. In summary, the available evidence is currently insufficient to determine the role of this variant in disease. Therefore, it has been classified as a Variant of Uncertain Significance.

NM_004369.4(COL6A3):c.500C>T (p.Ser167Phe)

Gene: COL6A3 (collagen type VI alpha 3 chain; minus strand). Cytogenetic location: 2q37.3.
Variant type: single nucleotide variant.
Coding change: c.500C>T on transcript NM_004369.4 (MANE Select); coding-DNA position 500, C replaced by T.
Protein change: p.Ser167Phe; replaces serine 167 with phenylalanine.
Molecular consequence: missense variant. On other transcripts: intron variant (4).
Genome position (GRCh38, 1-based): chr2:237,394,796, G>A on the plus strand (C>T on the coding strand, the complement: COL6A3 is on the minus strand). VCF-style: chr2-237394796-G-A. GRCh37 (hg19) VCF-style: chr2-238303439-G-A.
Other names: c.91+1931C>T (NM_057166.5, NM_057167.4, NM_057164.5 and 1 more transcripts); short protein forms S167F.
Identifiers: ClinVar variation 1420535 (VCV001420535.8), dbSNP rs1028347478, ClinGen allele CA67841919.